The following is an entry in ClinVar:

NC_000012.11:g.(?_862732)_(863510_?)dup

Gene: WNK1 (WNK lysine deficient protein kinase 1; plus strand). Cytogenetic location: 12p13.33.
Variant type: Duplication.
Identifiers: ClinVar variation 3244328 (VCV003244328.1).

ClinVar aggregate classification (germline): Uncertain significance (1 of 4 stars; one submission).

Conditions:
Pseudohypoaldosteronism type 2C (PHA2C). Also called: Pseudohypoaldosteronism Type IIC. Identifiers: Orphanet 757, Orphanet 88940, MedGen C1840391, MONDO:0013778, OMIM 614492.
Neuropathy, hereditary sensory and autonomic, type 2A (HSAN2A). Also called: ACROOSTEOLYSIS, GIACCAI TYPE; ACROOSTEOLYSIS, NEUROGENIC; MORVAN DISEASE; NEUROPATHY, CONGENITAL SENSORY; NEUROPATHY, HEREDITARY SENSORY RADICULAR, AUTOSOMAL RECESSIVE; NEUROPATHY, HEREDITARY SENSORY, TYPE IIA. Identifiers: Orphanet 970, MedGen C2752089, MONDO:0024309, OMIM 201300.

Submission:

Labcorp Genetics (formerly Invitae), Labcorp
Classification: Uncertain significance for Neuropathy, hereditary sensory and autonomic, type 2A; Pseudohypoaldosteronism type 2C. Last evaluated: 2023-09-27. Review status: criteria provided, single submitter. Criteria: Invitae Variant Classification Sherloc (09022015). Collection method: clinical testing. Allele origin: unknown.
Comment: This variant results in a copy number gain of the genomic region encompassing exon(s) 1 of the WNK1 gene. This region includes the initiator codon of the gene. This copy number gain extends beyond the assayed region for this gene and therefore may encompass additional genes. As the precise location of this event is unknown, it may be in tandem or it may be located elsewhere in the genome. This variant has not been reported in the literature in individuals affected with WNK1-related conditions. Experimental studies and prediction algorithms are not available or were not evaluated, and the functional significance of this variant is currently unknown. In summary, the available evidence is currently insufficient to determine the role of this variant in disease. Therefore, it has been classified as a Variant of Uncertain Significance.